The following is an entry in ClinVar:

NM_000152.5(GAA):c.2474C>G (p.Pro825Arg)

Gene: GAA (alpha glucosidase; plus strand). Cytogenetic location: 17q25.3.
Variant type: single nucleotide variant.
Coding change: c.2474C>G on transcript NM_000152.5 (MANE Select); coding-DNA position 2474, C replaced by G.
Protein change: p.Pro825Arg; replaces proline 825 with arginine.
Molecular consequence: missense variant.
Genome position (GRCh38, 1-based): chr17:80,117,742, C>G. VCF-style: chr17-80117742-C-G. GRCh37 (hg19) VCF-style: chr17-78091541-C-G.
Other names: c.2474C>G, p.Pro825Arg (NM_001079803.3, NM_001079804.3); short protein forms P825R.
Identifiers: ClinVar variation 283750 (VCV000283750.6), dbSNP rs886042703, ClinGen allele CA10604584.

ClinVar aggregate classification (germline): Uncertain significance. Review status: criteria provided, multiple submitters, no conflicts (2 of 4 stars). 2 submissions from 2 submitters: Uncertain significance (2). Last evaluated 2026-07-01.

Conditions:
Glycogen storage disease, type II (IOPD). Also called: CARDIOMEGALIA GLYCOGENICA DIFFUSA; GLYCOGEN STORAGE DISEASE II, INFANTILE-ONSET; POMPE DISEASE, INFANTILE-ONSET; ACID ALPHA-GLUCOSIDASE DEFICIENCY, INFANTILE-ONSET; GAA DEFICIENCY, INFANTILE-ONSET; ACID MALTASE DEFICIENCY, INFANTILE-ONSET. Identifiers: Orphanet 365, MedGen C0017921, MONDO:0009290, OMIM 232300.

Submissions (2):

Genomenon, Inc
Classification: Uncertain significance for Glycogen storage disease, type II. Last evaluated: 2026-07-01. Review status: criteria provided, single submitter. Criteria: Genomenon Sequence Variant Interpretation Standards - Updated. Collection method: curation. Allele origin: germline. Affected: no.
Comment: GAA p.Pro825Arg (c.2474C>G) is a missense variant that changes the amino acid at codon 825 from Proline to Arginine. This variant has been reported in the published literature (PMID:33560568). It is absent or not present at a significant frequency in gnomAD. In silico models predict that this variant is possibly or probably damaging. In conclusion, we classify GAA p.Pro825Arg (c.2474C>G) as a variant of uncertain significance.

Eurofins Ntd Llc (ga)
Classification: Uncertain significance. Last evaluated: 2018-08-20. Review status: criteria provided, single submitter. Criteria: EGL ClinVar v180209 classification definitions. Collection method: clinical testing. Allele origin: germline. Observed: 2 variant alleles, 2 heterozygotes.

Literature cited by the submitters: PubMed 33560568 (cited by Genomenon, Inc).